The following is an entry in ClinVar:

ClinVar aggregate classification (germline): Uncertain significance (1 of 4 stars; one submission).

Conditions:
Isolated microphthalmia 5. Also called: Posterior Microphthalmia with Retinitis Pigmentosa, Foveoschisis, and Optic Disc Drusen. Identifiers: Orphanet 251279, MedGen C1970236, MONDO:0012605, OMIM 611040.

Allele frequency attached by ClinVar (database versions not stated): gnomAD exomes below 0.00001; gnomAD 0.00001; ExAC 0.00001.

Submission:

Labcorp Genetics (formerly Invitae), Labcorp
Classification: Uncertain significance for Isolated microphthalmia 5. Last evaluated: 2021-02-17. Review status: criteria provided, single submitter. Criteria: Invitae Variant Classification Sherloc (09022015). Collection method: clinical testing. Allele origin: germline.
Comment: In summary, the available evidence is currently insufficient to determine the role of this variant in disease. Therefore, it has been classified as a Variant of Uncertain Significance. Algorithms developed to predict the effect of missense changes on protein structure and function are either unavailable or do not agree on the potential impact of this missense change (SIFT: "Deleterious"; PolyPhen-2: "Probably Damaging"; Align-GVGD: "Class C0"). This variant has not been reported in the literature in individuals with MFRP-related conditions. This variant is present in population databases (rs773902427, ExAC 0.006%). This sequence change replaces glutamic acid with alanine at codon 546 of the MFRP protein (p.Glu546Ala). The glutamic acid residue is highly conserved and there is a moderate physicochemical difference between glutamic acid and alanine.

NM_031433.4(MFRP):c.1637A>C (p.Glu546Ala)

Genes: C1QTNF5 (C1q and TNF related 5; minus strand), MFRP (membrane frizzled-related protein; minus strand). Cytogenetic location: 11q23.3.
Variant type: single nucleotide variant.
Coding change: c.1637A>C on transcript NM_031433.4 (MANE Select); coding-DNA position 1637, A replaced by C.
Protein change: p.Glu546Ala; replaces glutamic acid 546 with alanine.
Molecular consequence: missense variant. On other transcripts: 5 prime UTR variant (1).
Genome position (GRCh38, 1-based): chr11:119,341,651, T>G on the plus strand (A>C on the coding strand, the complement: MFRP is on the minus strand). VCF-style: chr11-119341651-T-G. GRCh37 (hg19) VCF-style: chr11-119212361-T-G.
Other names: c.-1000A>C (NM_015645.5); short protein forms E546A.
Identifiers: ClinVar variation 1409275 (VCV001409275.8), dbSNP rs773902427, ClinGen allele CA6320046.